The following is an entry in ClinVar:

ClinVar aggregate classification (germline): Benign. Review status: criteria provided, multiple submitters, no conflicts (2 of 4 stars). 3 submissions from 3 submitters: Benign (3). Last evaluated 2024-08-01.

Allele frequency attached by ClinVar (database versions not stated): 1000 Genomes Project 30x 0.00515; 1000 Genomes Project 0.00519; TOPMed 0.01042; gnomAD 0.01128 and 0.01146; ExAC 0.01256; gnomAD exomes 0.01257 and 0.01369; ESP Exome Variant Server 0.01334.
gnomAD v4.1: 21,832 of 1,613,962 alleles (1.4%); highest among the groups gnomAD compares: Non-Finnish European, 1.5%; 192 homozygotes.

Submissions (3):

CeGaT Center for Human Genetics Tuebingen
Classification: Benign. Last evaluated: 2024-08-01. Review status: criteria provided, single submitter. Criteria: CeGaT Center For Human Genetics Tuebingen Variant Classification Criteria Version 2. Collection method: clinical testing. Allele origin: germline. Affected: yes. Observed: 1 variant allele.
Comment: LAMA3: BP4, BP7, BS1, BS2

Labcorp Genetics (formerly Invitae), Labcorp
Classification: Benign. Last evaluated: 2022-10-31. Review status: criteria provided, single submitter. Criteria: Invitae Variant Classification Sherloc (09022015). Collection method: clinical testing. Allele origin: germline.

Breakthrough Genomics
Classification: Benign. Review status: criteria provided, single submitter. Criteria: ACMG Guidelines, 2015. Collection method: not provided. Allele origin: germline. Inheritance: Autosomal recessive inheritance. Affected: yes.

NM_198129.4(LAMA3):c.4515T>C (p.Asp1505=)

Gene: LAMA3 (laminin subunit alpha 3; plus strand). Cytogenetic location: 18q11.2.
Variant type: single nucleotide variant.
Coding change: c.4515T>C on transcript NM_198129.4 (MANE Select); coding-DNA position 4515, T replaced by C.
Protein change: p.Asp1505=; no amino-acid change (aspartic acid 1505 retained).
Molecular consequence: synonymous variant.
Genome position (GRCh38, 1-based): chr18:23,861,738, T>C. VCF-style: chr18-23861738-T-C. GRCh37 (hg19) VCF-style: chr18-21441702-T-C.
Other names: c.4515T>C, p.Asp1505= (NM_001127717.4).
Identifiers: ClinVar variation 1169103 (VCV001169103.24), dbSNP rs35565501, ClinGen allele CA8915631.